The following is an entry in ClinVar:

ClinVar aggregate classification (germline): Uncertain significance (1 of 4 stars; one submission).

Conditions:
Epilepsy, childhood absence, susceptibility to, 5. Identifiers: Orphanet 64280, MedGen C2677087, MONDO:0012843, OMIM 612269.
Epilepsy, childhood absence, susceptibility to, 1. Also called: Epilepsy, childhood absence 1. Identifiers: Orphanet 64280, MedGen C1838604, MONDO:0020759, OMIM 600131.

Allele frequency attached by ClinVar (database versions not stated): ExAC 0.00001; gnomAD exomes 0.00001.

Submission:

Labcorp Genetics (formerly Invitae), Labcorp
Classification: Uncertain significance for Epilepsy, childhood absence, susceptibility to, 5; Epilepsy, childhood absence, susceptibility to, 1. Last evaluated: 2025-10-02. Review status: criteria provided, single submitter. Criteria: Invitae Variant Classification Sherloc (09022015). Collection method: clinical testing. Allele origin: germline.
Comment: This sequence change replaces glutamic acid, which is acidic and polar, with alanine, which is neutral and non-polar, at codon 380 of the GABRB3 protein (p.Glu380Ala). This variant is present in population databases (rs745675693, gnomAD 0.006%). This variant has not been reported in the literature in individuals affected with GABRB3-related conditions. ClinVar contains an entry for this variant (Variation ID: 1008507). Invitae Evidence Modeling of protein sequence and biophysical properties (such as structural, functional, and spatial information, amino acid conservation, physicochemical variation, residue mobility, and thermodynamic stability) indicates that this missense variant is not expected to disrupt GABRB3 protein function with a negative predictive value of 95%. In summary, the available evidence is currently insufficient to determine the role of this variant in disease. Therefore, it has been classified as a Variant of Uncertain Significance.

NM_000814.6(GABRB3):c.1139A>C (p.Glu380Ala)

Gene: GABRB3 (gamma-aminobutyric acid type A receptor subunit beta3; minus strand). Cytogenetic location: 15q12.
Variant type: single nucleotide variant.
Coding change: c.1139A>C on transcript NM_000814.6 (MANE Select); coding-DNA position 1139, A replaced by C.
Protein change: p.Glu380Ala; replaces glutamic acid 380 with alanine.
Molecular consequence: missense variant.
Genome position (GRCh38, 1-based): chr15:26,548,076, T>G on the plus strand (A>C on the coding strand, the complement: GABRB3 is on the minus strand). VCF-style: chr15-26548076-T-G. GRCh37 (hg19) VCF-style: chr15-26793223-T-G.
Other names: c.884A>C, p.Glu295Ala (NM_001191320.2, NM_001278631.2); c.926A>C, p.Glu309Ala (NM_001191321.3); c.1139A>C, p.Glu380Ala (NM_021912.5); short protein forms E295A, E309A, E380A.
Identifiers: ClinVar variation 1008507 (VCV001008507.6), dbSNP rs745675693, ClinGen allele CA7437293.